The following is an entry in ClinVar:

ClinVar aggregate classification (germline): Benign/Likely benign. Review status: criteria provided, multiple submitters, no conflicts (2 of 4 stars). 10 submissions from 10 submitters: Benign (8); Likely benign (1). 1 of the submissions does not count toward it. Last evaluated 2026-02-04.

Conditions:
Hermansky-Pudlak syndrome (HPS). Also called: ALBINISM WITH HEMORRHAGIC DIATHESIS AND PIGMENTED RETICULOENDOTHELIAL CELLS. Identifiers: Orphanet 79430, MedGen C0079504, MONDO:0019312.
Hermansky-Pudlak syndrome 3 (HPS3). Identifiers: Orphanet 231512, Orphanet 79430, MedGen C3888001, MONDO:0013555, OMIM 614072.

Allele frequency attached by ClinVar (database versions not stated): gnomAD exomes 0.21985; gnomAD 0.27564 and 0.28006; 1000 Genomes Project 0.27756; TOPMed 0.27986; 1000 Genomes Project 30x 0.28482; ESP Exome Variant Server 0.28725.
gnomAD v4.1: 362,822 of 1,610,020 alleles (23%); highest among the groups gnomAD compares: African/African-American, 43%; 43,355 homozygotes.

Submissions (10):

Labcorp Genetics (formerly Invitae), Labcorp
Classification: Benign. Last evaluated: 2026-02-04. Review status: criteria provided, single submitter. Criteria: Invitae Variant Classification Sherloc (09022015). Collection method: clinical testing. Allele origin: germline.

Blueprint Genetics
Classification: Likely benign. Last evaluated: 2024-11-26. Review status: criteria provided, single submitter. Criteria: ACMG Guidelines, 2015. Collection method: clinical testing. Allele origin: germline.

Mayo Clinic Laboratories, Mayo Clinic
Classification: Benign. Last evaluated: 2022-09-29. Review status: criteria provided, single submitter. Criteria: ACMG Guidelines, 2015. Collection method: clinical testing. Allele origin: germline. Observed: 254 variant alleles.

Genome-Nilou Lab
Classification: Benign for Hermansky-Pudlak syndrome 3. Last evaluated: 2021-07-10. Review status: criteria provided, single submitter. Criteria: ACMG Guidelines, 2015. Collection method: clinical testing. Allele origin: germline. Affected: no.

Illumina Laboratory Services, Illumina
Classification: Benign for Hermansky-Pudlak syndrome 3. Last evaluated: 2018-01-13. Review status: criteria provided, single submitter. Criteria: ICSL Variant Classification Criteria 13 December 2019. Collection method: clinical testing. Allele origin: germline.
Comment: This variant was observed in the ICSL laboratory as part of a predisposition screen in an ostensibly healthy population. It had not been previously curated by ICSL or reported in the Human Gene Mutation Database (HGMD: prior to June 1st, 2018), and was therefore a candidate for classification through an automated scoring system. Utilizing variant allele frequency, disease prevalence and penetrance estimates, and inheritance mode, an automated score was calculated to assess if this variant is too frequent to cause the disease. Based on the score and internal cut-off values, a variant classified as benign is not then subjected to further curation. The score for this variant resulted in a classification of benign for this disease.

GeneDx
Classification: Benign. Last evaluated: 2015-03-03. Review status: criteria provided, single submitter. Criteria: GeneDx Variant Classification Process June 2021. Collection method: clinical testing. Allele origin: germline. Affected: yes.

Laboratory for Molecular Medicine, Mass General Brigham Personalized Medicine
Classification: Benign. Last evaluated: 2013-02-21. Review status: criteria provided, single submitter. Criteria: LMM Criteria. Collection method: clinical testing. Allele origin: germline. Observed: 35 variant alleles.
Comment: Thr327Thr in exon 5 of HPS3: This variant is not expected to have clinical signi ficance because it does not alter an amino acid residue and is not located withi n the splice consensus sequence. It has been identified in 42.8% (1887/4406) of African American chromosomes from a broad population by the NHLBI Exome Sequenci ng Project (dbSNP rs11718908).

Breakthrough Genomics
Classification: Benign. Review status: criteria provided, single submitter. Criteria: ACMG Guidelines, 2015. Collection method: not provided. Allele origin: germline. Inheritance: Autosomal recessive inheritance. Affected: yes.

PreventionGenetics, part of Exact Sciences
Classification: Benign. Review status: criteria provided, single submitter. Criteria: ACMG Guidelines, 2015. Collection method: clinical testing. Allele origin: germline.

Natera, Inc.
Classification: Benign for Hermansky-Pudlak syndrome. Last evaluated: 2020-09-16. Review status: no assertion criteria provided. Collection method: clinical testing. Allele origin: germline. Not counted in ClinVar's aggregate classification.

NM_032383.5(HPS3):c.981A>G (p.Thr327=)

Gene: HPS3 (HPS3 biogenesis of lysosomal organelles complex 2 subunit 1; plus strand). Cytogenetic location: 3q24.
Variant type: single nucleotide variant.
Coding change: c.981A>G on transcript NM_032383.5 (MANE Select); coding-DNA position 981, A replaced by G.
Protein change: p.Thr327=; no amino-acid change (threonine 327 retained).
Molecular consequence: synonymous variant.
Genome position (GRCh38, 1-based): chr3:149,145,364, A>G. VCF-style: chr3-149145364-A-G. GRCh37 (hg19) VCF-style: chr3-148863151-A-G.
Other names: p.Thr327=; c.486A>G, p.Thr162= (NM_001308258.2).
Identifiers: ClinVar variation 178777 (VCV000178777.26), dbSNP rs11718908, ClinGen allele CA183014.